The following is an entry in ClinVar:

ClinVar aggregate classification (germline): Uncertain significance. Review status: criteria provided, multiple submitters, no conflicts (2 of 4 stars). 4 submissions from 4 submitters: Uncertain significance (4). Last evaluated 2025-09-18.

Conditions:
Hereditary cancer-predisposing syndrome. Also called: Hereditary Cancer Syndrome; Tumor predisposition; Neoplastic Syndromes, Hereditary; Hereditary neoplastic syndrome. Identifiers: Orphanet 140162, MedGen C0027672, MeSH D009386, MONDO:0015356.
Rhabdoid tumor predisposition syndrome 1 (RTPS1). Also called: Familial Posterior Fossa Brain Tumor of Infancy. Identifiers: Orphanet 231108, Orphanet 69077, MedGen C1836327, MONDO:0012252, OMIM 609322.

Allele frequency attached by ClinVar (database versions not stated): TOPMed below 0.00001; ExAC 0.00001.
gnomAD v4.1: 2 of 1,613,756 alleles (0.00012%); highest among the groups gnomAD compares: Non-Finnish European, 0.00017%; no homozygotes.

Submissions (4):

Ambry Genetics
Classification: Uncertain significance for Hereditary cancer-predisposing syndrome. Last evaluated: 2025-09-18. Review status: criteria provided, single submitter. Criteria: Ambry Variant Classification Scheme 2023. Collection method: clinical testing. Allele origin: germline.
Comment: The p.T214R variant (also known as c.641C>G), located in coding exon 6 of the SMARCB1 gene, results from a C to G substitution at nucleotide position 641. The threonine at codon 214 is replaced by arginine, an amino acid with similar properties. This variant was detected as heterozygous in individuals with no reported features of Coffin-Siris syndrome (Ambry internal data). This amino acid position is highly conserved in available vertebrate species. In addition, this alteration is predicted to be deleterious by in silico analysis. Since supporting evidence is limited at this time, the clinical significance of this alteration remains unclear.

GeneDx
Classification: Uncertain significance. Last evaluated: 2024-08-27. Review status: criteria provided, single submitter. Criteria: GeneDx Variant Classification Process June 2021. Collection method: clinical testing. Allele origin: germline. Affected: yes.
Comment: In silico analysis supports that this missense variant has a deleterious effect on protein structure/function; Has not been previously published as pathogenic or benign to our knowledge; This variant is associated with the following publications: (PMID: 26073604)

Labcorp Genetics (formerly Invitae), Labcorp
Classification: Uncertain significance. Last evaluated: 2022-08-16. Review status: criteria provided, single submitter. Criteria: Invitae Variant Classification Sherloc (09022015). Collection method: clinical testing. Allele origin: germline.
Comment: In summary, the available evidence is currently insufficient to determine the role of this variant in disease. Therefore, it has been classified as a Variant of Uncertain Significance. Algorithms developed to predict the effect of missense changes on protein structure and function are either unavailable or do not agree on the potential impact of this missense change (SIFT: "Tolerated"; PolyPhen-2: "Probably Damaging"; Align-GVGD: "Class C0"). ClinVar contains an entry for this variant (Variation ID: 1327094). This variant has not been reported in the literature in individuals affected with SMARCB1-related conditions. This variant is present in population databases (rs780906523, gnomAD 0.0009%). This sequence change replaces threonine, which is neutral and polar, with arginine, which is basic and polar, at codon 214 of the SMARCB1 protein (p.Thr214Arg).

Baylor Genetics
Classification: Uncertain significance for Rhabdoid tumor predisposition syndrome 1. Last evaluated: 2021-01-30. Review status: criteria provided, single submitter. Criteria: ACMG Guidelines, 2015. Collection method: clinical testing. Allele origin: paternal. Affected: yes. Study: CSER-TexasKidsCanSeq.
Comment: This variant was determined to be of uncertain significance according to ACMG Guidelines, 2015 [PMID:25741868].

NM_003073.5(SMARCB1):c.641C>G (p.Thr214Arg)

Gene: SMARCB1 (SWI/SNF related BAF chromatin remodeling complex subunit B1; plus strand). Cytogenetic location: 22q11.23.
Variant type: single nucleotide variant.
Coding change: c.641C>G on transcript NM_003073.5 (MANE Select); coding-DNA position 641, C replaced by G.
Protein change: p.Thr214Arg; replaces threonine 214 with arginine.
Molecular consequence: missense variant.
Genome position (GRCh38, 1-based): chr22:23,816,782, C>G. VCF-style: chr22-23816782-C-G. GRCh37 (hg19) VCF-style: chr22-24158969-C-G.
Other names: c.614C>G, p.Thr205Arg (NM_001007468.3); c.668C>G, p.Thr223Arg (NM_001317946.2); c.695C>G, p.Thr232Arg (NM_001362877.2); short protein forms T205R, T214R, T223R, T232R.
Identifiers: ClinVar variation 1327094 (VCV001327094.11), dbSNP rs780906523, ClinGen allele CA10146024.